The following is an entry in ClinVar:

ClinVar aggregate classification (germline): Uncertain significance (1 of 4 stars; one submission).

Submission:

Labcorp Genetics (formerly Invitae), Labcorp
Classification: Uncertain significance. Last evaluated: 2023-11-25. Review status: criteria provided, single submitter. Criteria: Invitae Variant Classification Sherloc (09022015). Collection method: clinical testing. Allele origin: germline.
Comment: This sequence change replaces serine, which is neutral and polar, with asparagine, which is neutral and polar, at codon 1753 of the POLE protein (p.Ser1753Asn). Information on the frequency of this variant in the gnomAD database is not available, as this variant may be reported differently in the database. This variant has not been reported in the literature in individuals affected with POLE-related conditions. ClinVar contains an entry for this variant (Variation ID: 2013885). An algorithm developed to predict the effect of missense changes on protein structure and function (PolyPhen-2) suggests that this variant is likely to be tolerated. In summary, the available evidence is currently insufficient to determine the role of this variant in disease. Therefore, it has been classified as a Variant of Uncertain Significance.

NM_006231.4(POLE):c.5258_5259delinsAT (p.Ser1753Asn)

Gene: POLE (DNA polymerase epsilon, catalytic subunit; minus strand). Cytogenetic location: 12q24.33.
Variant type: Indel.
Coding change: c.5258_5259delinsAT on transcript NM_006231.4 (MANE Select); coding-DNA positions 5258 to 5259, GC replaced by AT.
Protein change: p.Ser1753Asn; replaces serine 1753 with asparagine.
Molecular consequence: missense variant.
Genome position (GRCh38, 1-based): chr12:132,641,766-132,641,767, GC replaced by AT on the plus strand (GC replaced by AT on the coding strand, the reverse complement: POLE is on the minus strand). VCF-style: chr12-132641766-GC-AT. GRCh37 (hg19) VCF-style: chr12-133218352-GC-AT.
Other names: short protein forms S1753N.
Identifiers: ClinVar variation 2013885 (VCV002013885.4), dbSNP rs2541881103, ClinGen allele CA2580086193.